The following is an entry in ClinVar:

NM_002693.3(POLG):c.3091_3092del (p.Glu1031fs)

Gene: POLG (DNA polymerase gamma, catalytic subunit; minus strand). Cytogenetic location: 15q26.1.
Variant type: Microsatellite.
Coding change: c.3091_3092del on transcript NM_002693.3 (MANE Select); coding-DNA positions 3091 to 3092, 2 bases deleted (GA; older notation c.3091_3092delGA).
Protein change: p.Glu1031fs; shifts the reading frame from glutamic acid 1031.
Molecular consequence: frameshift variant.
Genome position (GRCh38, 1-based): chr15:89,319,240-89,319,241, TC deleted on the plus strand (GA on the coding strand, the reverse complement: POLG is on the minus strand); deleting any 2 consecutive bases within chr15:89,319,240-89,319,246 gives the same sequence; the c. name uses the placement nearest the transcript's 3' end. VCF-style (leftmost placement, unchanged base first): chr15-89319239-TTC-T. GRCh37 (hg19) VCF-style: chr15-89862470-TTC-T.
Other names: c.3091_3092delGA (NM_002693.2); c.3091_3092del, p.Glu1031fs (NM_001126131.2); short protein forms E1031fs.
Identifiers: ClinVar variation 458710 (VCV000458710.7), dbSNP rs1555452607, ClinGen allele CA658658307.
Genomic context (GRCh38, chr15:89,319,239, plus strand): 5'-GGCAAGCCCAGACCCCTCCCTCCATCCTTAACACAAAGAAGGTTCTTACTTCCTTGCAGT[TTC>T]TCTCTGGACCTTGCGCAGATCCTGCAGGGAAATCCAGCCACCCTCAGTCCTGTCCACTGG-3'

ClinVar aggregate classification (germline): Pathogenic (1 of 4 stars; one submission).

Conditions:
Progressive sclerosing poliodystrophy (MTDPS4A). Also called: NEURONAL DEGENERATION OF CHILDHOOD WITH LIVER DISEASE, PROGRESSIVE; ALPERS PROGRESSIVE INFANTILE POLIODYSTROPHY; Alpers-Huttenlocher Syndrome (AHS); Mitochondrial DNA depletion syndrome 4A (Alpers type); Mitochondrial DNA Depletion Syndrome 4A; Alpers Syndrome. Identifiers: Orphanet 726, MedGen C0205710, MONDO:0008758, OMIM 203700.

Submission:

Labcorp Genetics (formerly Invitae), Labcorp
Classification: Pathogenic for Progressive sclerosing poliodystrophy. Last evaluated: 2017-05-26. Review status: criteria provided, single submitter. Criteria: Invitae Variant Classification Sherloc (09022015). Collection method: clinical testing. Allele origin: germline.
Comment: For these reasons, this variant has been classified as Pathogenic. Loss-of-function variants in POLG are known to be pathogenic (PMID: 18546365). This variant has not been reported in the literature in individuals with a POLG-related disease. This variant is not present in population databases (ExAC no frequency). This sequence change creates a premature translational stop signal (p.Glu1031Asnfs*15) in the POLG gene. It is expected to result in an absent or disrupted protein product.

Literature cited by the submitters: PubMed 18546365.